The following is an entry in ClinVar:

NM_000051.4(ATM):c.5663del (p.Asn1888fs)

Gene: ATM (ATM serine/threonine kinase; plus strand). Cytogenetic location: 11q22.3.
Variant type: Deletion.
Coding change: c.5663del on transcript NM_000051.4 (MANE Select); coding-DNA position 5663, one base deleted (A; older notation c.5663delA).
Protein change: p.Asn1888fs; shifts the reading frame from asparagine 1888.
Molecular consequence: frameshift variant.
Genome position (GRCh38, 1-based): chr11:108,304,841, A deleted; the last of 3 consecutive A bases (chr11:108,304,839-108,304,841); deleting any one gives the same sequence. VCF-style (leftmost placement, unchanged base first): chr11-108304838-CA-C. GRCh37 (hg19) VCF-style: chr11-108175565-CA-C.
Other names: c.5663del, p.Asn1888fs (NM_001351834.2); short protein forms N1888fs.
Identifiers: ClinVar variation 3904043 (VCV003904043.1).
Genomic context (GRCh38, chr11:108,304,838, plus strand): 5'-AGGGATTTTTCACCAGCTGTCTTCGACACTTCTCGCAAACGAGCCGATCCACAACCCCTG[CA>C]AACTTGGATTCAGGTATTCTATTAAATTTTTAACATTAATACTGTAAACTCAGTTCTAGA-3'

ClinVar aggregate classification (germline): Pathogenic (1 of 4 stars; one submission).

Conditions:
Familial cancer of breast. Also called: Hereditary breast cancer; hereditary breast carcinoma; BREAST CANCER, FAMILIAL. Identifiers: Orphanet 227535, MedGen C0346153, MONDO:0016419, OMIM 114480. Disease mechanism: loss of function.

Submission:

Myriad Genetics, Inc.
Classification: Pathogenic for Familial cancer of breast. Last evaluated: 2025-02-03. Review status: criteria provided, single submitter. Criteria: Myriad Autosomal Dominant, Autosomal Recessive and X-Linked Classification Criteria (2023). Collection method: clinical testing. Allele origin: unknown.
Comment: This variant is considered pathogenic. This variant creates a frameshift predicted to result in premature protein truncation.